The following is an entry in ClinVar:

NM_001868.4(CPA1):c.931C>T (p.Leu311Phe)

Gene: CPA1 (carboxypeptidase A1; plus strand). Cytogenetic location: 7q32.2.
Variant type: single nucleotide variant.
Coding change: c.931C>T on transcript NM_001868.4 (MANE Select); coding-DNA position 931, C replaced by T.
Protein change: p.Leu311Phe; replaces leucine 311 with phenylalanine.
Molecular consequence: missense variant.
Genome position (GRCh38, 1-based): chr7:130,385,289, C>T. VCF-style: chr7-130385289-C-T. GRCh37 (hg19) VCF-style: chr7-130025130-C-T.
Other names: short protein forms L311F.
Identifiers: ClinVar variation 1766561 (VCV001766561.3), dbSNP rs782746371, ClinGen allele CA4484992.
Genomic context (GRCh38, chr7:130,385,289, plus strand): 5'-GACTTTGTGAAGGACCATGGGAACATCAAGGCCTTCATCTCCATCCACAGCTACTCCCAG[C>T]TCCTCATGTATCCCTATGGCTACAAAACAGAACCAGTCCCTGACCAGGATGAGCTGGTAG-3'
Protein context (NP_001859.1, residues 301-321): AFISIHSYSQ[Leu311Phe]LMYPYGYKTE

ClinVar aggregate classification (germline): Uncertain significance (1 of 4 stars; one submission).

Conditions:
Hereditary pancreatitis (PCTT). Also called: PRSS1-Related Hereditary Pancreatitis; Hereditary chronic pancreatitis. Identifiers: Orphanet 676, MedGen C0238339, MONDO:0008185, OMIM 167800.

Allele frequency attached by ClinVar (database versions not stated): gnomAD exomes below 0.00001; ExAC 0.00001; gnomAD 0.00001.

Submission:

Ambry Genetics
Classification: Uncertain significance for Hereditary pancreatitis. Last evaluated: 2025-05-17. Review status: criteria provided, single submitter. Criteria: Ambry Variant Classification Scheme 2023. Collection method: clinical testing. Allele origin: germline.
Comment: The p.L311F variant (also known as c.931C>T), located in coding exon 8 of the CPA1 gene, results from a C to T substitution at nucleotide position 931. The leucine at codon 311 is replaced by phenylalanine, an amino acid with highly similar properties. This amino acid position is conserved. In addition, this alteration is predicted to be tolerated by in silico analysis. Since supporting evidence is limited at this time, the clinical significance of this alteration remains unclear.